The following is an entry in ClinVar:

ClinVar aggregate classification (germline): Conflicting classifications of pathogenicity. Review status: criteria provided, conflicting classifications (1 of 4 stars). 2 submissions from 2 submitters: Uncertain significance (1); Likely benign (1). Last evaluated 2023-03-23.

Conditions:
Hereditary cancer-predisposing syndrome. Also called: Neoplastic Syndromes, Hereditary; Tumor predisposition; Hereditary neoplastic syndrome; Hereditary Cancer Syndrome. Identifiers: Orphanet 140162, MedGen C0027672, MeSH D009386, MONDO:0015356.
Hereditary breast ovarian cancer syndrome. Also called: Hereditary breast and ovarian cancer syndrome; Hereditary breast and ovarian cancer; BRCA1- and BRCA2-Associated Hereditary Breast and Ovarian Cancer; Hereditary breast and/or ovarian cancer syndrome; Hereditary breast and ovarian cancer syndrome (HBOC); Breast and ovarian cancer. Identifiers: Orphanet 145, MedGen C0677776, MeSH D061325, MONDO:0003582. Disease mechanism: loss of function.

Submissions (2):

University of Washington Department of Laboratory Medicine, University of Washington
Classification: Likely benign for Hereditary cancer-predisposing syndrome. Last evaluated: 2023-03-23. Review status: criteria provided, single submitter. Criteria: Dines et al. (Genet Med. 2020). Collection method: curation. Allele origin: germline.
Comment: Missense variant in a coldspot region where missense variants are very unlikely to be pathogenic (PMID:31911673).

BRCA2 exon 11 coldspot. Reclassification based on statistical prior probability.

Labcorp Genetics (formerly Invitae), Labcorp
Classification: Uncertain significance for Hereditary breast ovarian cancer syndrome. Last evaluated: 2021-10-13. Review status: criteria provided, single submitter. Criteria: Invitae Variant Classification Sherloc (09022015). Collection method: clinical testing. Allele origin: germline.
Comment: In summary, the available evidence is currently insufficient to determine the role of this variant in disease. Therefore, it has been classified as a Variant of Uncertain Significance. Advanced modeling of protein sequence and biophysical properties (such as structural, functional, and spatial information, amino acid conservation, physicochemical variation, residue mobility, and thermodynamic stability) performed at Invitae indicates that this missense variant is not expected to disrupt BRCA2 protein function. This variant has not been reported in the literature in individuals affected with BRCA2-related conditions. This variant is not present in population databases (ExAC no frequency). This sequence change replaces cysteine with phenylalanine at codon 1675 of the BRCA2 protein (p.Cys1675Phe). The cysteine residue is weakly conserved and there is a large physicochemical difference between cysteine and phenylalanine.

NM_000059.4(BRCA2):c.5024G>T (p.Cys1675Phe)

Gene: BRCA2 (BRCA2 DNA repair associated; plus strand). Cytogenetic location: 13q13.1.
Variant type: single nucleotide variant.
Coding change: c.5024G>T on transcript NM_000059.4 (MANE Select); coding-DNA position 5024, G replaced by T.
Protein change: p.Cys1675Phe; replaces cysteine 1675 with phenylalanine.
Molecular consequence: missense variant.
Genome position (GRCh38, 1-based): chr13:32,339,379, G>T. VCF-style: chr13-32339379-G-T. GRCh37 (hg19) VCF-style: chr13-32913516-G-T.
Other names: short protein forms C1675F.
Identifiers: ClinVar variation 1386782 (VCV001386782.7), dbSNP rs2137512936, ClinGen allele CA387783970.